The following is an entry in ClinVar:

ClinVar aggregate classification (germline): Benign. Review status: reviewed by expert panel (3 of 4 stars). 8 submissions from 7 submitters: Benign (1). 7 of the submissions do not count toward it. Last evaluated 2015-01-12.

Conditions:
Fanconi anemia complementation group D1. Also called: BRCA2-Related Fanconi Anemia. Identifiers: Orphanet 319462, MedGen C1838457, MONDO:0011584, OMIM 605724.
Hereditary cancer-predisposing syndrome. Also called: Neoplastic Syndromes, Hereditary; Hereditary Cancer Syndrome; Tumor predisposition; Hereditary neoplastic syndrome. Identifiers: Orphanet 140162, MedGen C0027672, MeSH D009386, MONDO:0015356.
Breast-ovarian cancer, familial, susceptibility to, 2 (BROVCA2). Also called: BRCA2 Hereditary Breast and Ovarian Cancer. Identifiers: Orphanet 145, MedGen C2675520, MONDO:0012933, OMIM 612555. Disease mechanism: loss of function.
Hereditary breast ovarian cancer syndrome. Also called: Hereditary breast and/or ovarian cancer syndrome; Hereditary breast and ovarian cancer syndrome; BRCA1- and BRCA2-Associated Hereditary Breast and Ovarian Cancer; Hereditary breast and ovarian cancer; Hereditary breast and ovarian cancer syndrome (HBOC); Breast and ovarian cancer. Identifiers: Orphanet 145, MedGen C0677776, MeSH D061325, MONDO:0003582. Disease mechanism: loss of function.

Allele frequency attached by ClinVar (database versions not stated): 1000 Genomes Project 0.00579; gnomAD 0.00610 and 0.00642; TOPMed 0.00658.

Submissions (8):

Evidence-based Network for the Interpretation of Germline Mutant Alleles (ENIGMA)
Classification: Benign for Breast-ovarian cancer, familial 2. Last evaluated: 2015-01-12. Review status: reviewed by expert panel. Criteria: ENIGMA BRCA1/2 Classification Criteria (2015). Collection method: curation. Allele origin: germline.
Comment: Class 1 not pathogenic based on frequency >1% in an outbred sampleset. Frequency 0.03659 (African), derived from 1000 genomes (2012-04-30).

Labcorp Genetics (formerly Invitae), Labcorp
Classification: Benign for Hereditary breast ovarian cancer syndrome. Last evaluated: 2025-11-18. Review status: criteria provided, single submitter. Criteria: Invitae Variant Classification Sherloc (09022015). Collection method: clinical testing. Allele origin: germline. Not counted in ClinVar's aggregate classification.

Sema4
Classification: Benign for Hereditary cancer-predisposing syndrome. Last evaluated: 2020-03-28. Review status: criteria provided, single submitter. Criteria: Sema4 Curation Guidelines. Collection method: curation. Allele origin: germline. Not counted in ClinVar's aggregate classification.

GeneDx
Classification: Likely benign. Last evaluated: 2018-06-18. Review status: criteria provided, single submitter. Criteria: GeneDx Variant Classification (06012015). Collection method: clinical testing. Allele origin: germline. Affected: yes. Not counted in ClinVar's aggregate classification.
Comment: This variant is considered likely benign or benign based on one or more of the following criteria: it is a conservative change, it occurs at a poorly conserved position in the protein, it is predicted to be benign by multiple in silico algorithms, and/or has population frequency not consistent with disease.

Illumina Laboratory Services, Illumina
Classification: Likely benign for Breast-ovarian cancer, familial, susceptibility to, 2. Last evaluated: 2018-02-09. Review status: criteria provided, single submitter. Criteria: ICSL Variant Classification Criteria 13 December 2019. Collection method: clinical testing. Allele origin: germline. Not counted in ClinVar's aggregate classification.
Comment: This variant was observed as part of a predisposition screen in an ostensibly healthy population. A literature search was performed for the gene, cDNA change, and amino acid change (where applicable). No publications were found based on this search. Allele frequency data from public databases allowed determination this variant is unlikely to cause disease. Therefore, this variant is classified as likely benign.

Illumina Laboratory Services, Illumina
Classification: Likely benign for Fanconi anemia complementation group D1. Last evaluated: 2018-02-09. Review status: criteria provided, single submitter. Criteria: ICSL Variant Classification Criteria 13 December 2019. Collection method: clinical testing. Allele origin: germline. Not counted in ClinVar's aggregate classification.
Comment: the same text as in the submission from Illumina Laboratory Services, Illumina above.

GeneKor MSA
Classification: Benign. Last evaluated: 2017-11-01. Review status: criteria provided, single submitter. Criteria: ACMG Guidelines, 2015. Collection method: clinical testing. Allele origin: germline. Affected: yes. Not counted in ClinVar's aggregate classification.

Genetic Services Laboratory, University of Chicago
Classification: Benign. Last evaluated: 2017-05-02. Review status: criteria provided, single submitter. Criteria: ACMG Guidelines, 2015. Collection method: clinical testing. Allele origin: germline. Affected: no. Not counted in ClinVar's aggregate classification.

NM_000059.4(BRCA2):c.-175C>T

Genes: BRCA2 (BRCA2 DNA repair associated; plus strand), LOC106721785 (BRCA2 promoter/silencer region; plus strand). Cytogenetic location: 13q13.1.
Variant type: single nucleotide variant.
Coding change: c.-175C>T on transcript NM_000059.4 (MANE Select); 175 bases upstream of the start codon, C replaced by T.
Molecular consequence: 5 prime UTR variant.
Genome position (GRCh38, 1-based): chr13:32,315,532, C>T. VCF-style: chr13-32315532-C-T. GRCh37 (hg19) VCF-style: chr13-32889669-C-T.
Other names: 53 C>T.
Identifiers: ClinVar variation 209599 (VCV000209599.18), dbSNP rs55880202, ClinGen allele CA276568.